The following is an entry in ClinVar:

ClinVar aggregate classification (germline): Pathogenic (1 of 4 stars; one submission).

Conditions:
Familial cancer of breast. Also called: Hereditary breast cancer; BREAST CANCER, FAMILIAL; hereditary breast carcinoma. Identifiers: Orphanet 227535, MedGen C0346153, MONDO:0016419, OMIM 114480. Disease mechanism: loss of function.

Submission:

Myriad Genetics, Inc.
Classification: Pathogenic for Familial cancer of breast. Last evaluated: 2023-09-07. Review status: criteria provided, single submitter. Criteria: Myriad Autosomal Dominant, Autosomal Recessive and X-Linked Classification Criteria (2023). Collection method: clinical testing. Allele origin: unknown.
Comment: This variant is considered pathogenic. This variant creates a frameshift predicted to result in premature protein truncation.

NM_024675.4(PALB2):c.1100_1163del (p.Glu367fs)

Gene: PALB2 (partner and localizer of BRCA2; minus strand). Cytogenetic location: 16p12.2.
Variant type: Deletion.
Coding change: c.1100_1163del on transcript NM_024675.4 (MANE Select); coding-DNA positions 1100 to 1163, 64 bases deleted.
Protein change: p.Glu367fs; shifts the reading frame from glutamic acid 367.
Molecular consequence: frameshift variant. On other transcripts: intron variant (3).
Genome position (GRCh38, 1-based): chr16:23,635,383-23,635,446, 64 bases deleted. GRCh37 (hg19): chr16:23,646,704-23,646,767.
Other names: c.1040_1103del, p.Glu347fs (NM_001407296.1); c.1100_1163del, p.Glu367fs (NM_001407297.1, NM_001407298.1, NM_001407299.1 and 3 more transcripts); c.215_278del, p.Glu72fs (NM_001407304.1, NM_001407305.1, NM_001407306.1 and 5 more transcripts); c.48+5664_48+5727del (NM_001407314.1); c.-104-4977_-104-4914del (NM_001407313.1, NM_001407312.1); short protein forms E347fs, E367fs, E72fs.
Identifiers: ClinVar variation 2674172 (VCV002674172.1), dbSNP rs2506486737, ClinGen allele CA2695197502.